The following is an entry in ClinVar:

ClinVar aggregate classification (germline): Uncertain significance (1 of 4 stars; one submission).

gnomAD v4.1: 1 of 1,606,082 alleles (0.000062%); highest among the groups gnomAD compares: African/African-American, 0.0013%; no homozygotes.

Submission:

Labcorp Genetics (formerly Invitae), Labcorp
Classification: Uncertain significance. Last evaluated: 2025-07-11. Review status: criteria provided, single submitter. Criteria: Invitae Variant Classification Sherloc (09022015). Collection method: clinical testing. Allele origin: germline.
Comment: This sequence change replaces arginine, which is basic and polar, with glycine, which is neutral and non-polar, at codon 1700 of the SPTBN2 protein (p.Arg1700Gly). This variant is not present in population databases (gnomAD no frequency). This variant has not been reported in the literature in individuals affected with SPTBN2-related conditions. Invitae Evidence Modeling of protein sequence and biophysical properties (such as structural, functional, and spatial information, amino acid conservation, physicochemical variation, residue mobility, and thermodynamic stability) indicates that this missense variant is not expected to disrupt SPTBN2 protein function with a negative predictive value of 80%. In summary, the available evidence is currently insufficient to determine the role of this variant in disease. Therefore, it has been classified as a Variant of Uncertain Significance.

NM_006946.4(SPTBN2):c.5098C>G (p.Arg1700Gly)

Gene: SPTBN2 (spectrin beta, non-erythrocytic 2; minus strand). Cytogenetic location: 11q13.2.
Variant type: single nucleotide variant.
Coding change: c.5098C>G on transcript NM_006946.4 (MANE Select); coding-DNA position 5098, C replaced by G.
Protein change: p.Arg1700Gly; replaces arginine 1700 with glycine.
Molecular consequence: missense variant.
Genome position (GRCh38, 1-based): chr11:66,692,628, G>C on the plus strand (C>G on the coding strand, the complement: SPTBN2 is on the minus strand). VCF-style: chr11-66692628-G-C. GRCh37 (hg19) VCF-style: chr11-66460099-G-C.
Other names: c.5119C>G, p.Arg1707Gly (NM_001411025.1); c.5098C>G, p.Arg1700Gly (NM_001437541.1); short protein forms R1700G, R1707G.
Identifiers: ClinVar variation 4771477 (VCV004771477.1).